The following is an entry in ClinVar:

ClinVar aggregate classification (germline): Benign/Likely benign. Review status: criteria provided, multiple submitters, no conflicts (2 of 4 stars). 3 submissions from 3 submitters: Benign (1); Likely benign (2). Last evaluated 2026-09-01.

Conditions:
Inborn genetic diseases. Identifiers: MedGen C0950123, MeSH D030342.

gnomAD v4.1: 11 of 1,614,054 alleles (0.00068%); highest among the groups gnomAD compares: Admixed American, 0.0067%; no homozygotes.

Submissions (3):

CeGaT Center for Human Genetics Tuebingen
Classification: Likely benign. Last evaluated: 2026-09-01. Review status: criteria provided, single submitter. Criteria: CeGaT Center For Human Genetics Tuebingen Variant Classification Criteria Version 2. Collection method: clinical testing. Allele origin: germline. Affected: yes. Observed: 1 variant allele.
Comment: CDK13: BP4, BS2

Ambry Genetics
Classification: Likely benign for Inborn genetic diseases. Last evaluated: 2025-06-17. Review status: criteria provided, single submitter. Criteria: Ambry Variant Classification Scheme 2023. Collection method: clinical testing. Allele origin: germline.

Labcorp Genetics (formerly Invitae), Labcorp
Classification: Benign. Last evaluated: 2025-02-04. Review status: criteria provided, single submitter. Criteria: Invitae Variant Classification Sherloc (09022015). Collection method: clinical testing. Allele origin: germline.

NM_003718.5(CDK13):c.4241C>T (p.Ala1414Val)

Gene: CDK13 (cyclin dependent kinase 13; plus strand). Cytogenetic location: 7p14.1.
Variant type: single nucleotide variant.
Coding change: c.4241C>T on transcript NM_003718.5 (MANE Select); coding-DNA position 4241, C replaced by T.
Protein change: p.Ala1414Val; replaces alanine 1414 with valine.
Molecular consequence: missense variant.
Genome position (GRCh38, 1-based): chr7:40,094,682, C>T. VCF-style: chr7-40094682-C-T. GRCh37 (hg19) VCF-style: chr7-40134281-C-T.
Other names: c.4061C>T, p.Ala1354Val (NM_031267.4); short protein forms A1354V, A1414V.
Identifiers: ClinVar variation 3673644 (VCV003673644.4).